The following is an entry in ClinVar:

ClinVar aggregate classification (germline): Uncertain significance. Review status: criteria provided, multiple submitters, no conflicts (2 of 4 stars). 6 submissions from 6 submitters: Uncertain significance (5). 1 of the submissions does not count toward it. Last evaluated 2025-12-16.

Conditions:
Cardiovascular phenotype. Identifiers: MedGen CN230736.
Cardiac arrhythmia. Also called: Arrhythmia; Cardiac rhythm disease. Identifiers: MedGen C0003811, MONDO:0007263, HP:0011675.
Familial long QT syndrome (RWS). Also called: Congenital long QT syndrome; Romano-Ward syndrome; VENTRICULAR FIBRILLATION WITH PROLONGED QT INTERVAL. Identifiers: Orphanet 768, MedGen C1141890, MONDO:0019171.
Long QT syndrome (LQTS). Identifiers: MedGen C0023976, MeSH D008133, MONDO:0002442. Disease mechanism: loss of function. Inheritance: Various modes of inheritance.

Allele frequency attached by ClinVar (database versions not stated): TOPMed 0.00002.
gnomAD v4.1: 22 of 1,529,092 alleles (0.0014%); highest among the groups gnomAD compares: East Asian, 0.0025%; no homozygotes.

Submissions (6):

Labcorp Genetics (formerly Invitae), Labcorp
Classification: Uncertain significance for Long QT syndrome. Last evaluated: 2025-12-16. Review status: criteria provided, single submitter. Criteria: Invitae Variant Classification Sherloc (09022015). Collection method: clinical testing. Allele origin: germline.
Comment: This sequence change replaces arginine, which is basic and polar, with tryptophan, which is neutral and slightly polar, at codon 920 of the KCNH2 protein (p.Arg920Trp). The frequency data for this variant in the population databases is considered unreliable, as metrics indicate poor data quality at this position in the gnomAD database. This missense change has been observed in individual(s) with clinical features of KCNH2-related conditions (PMID: 19716085, 36861347). ClinVar contains an entry for this variant (Variation ID: 67433). An algorithm developed to predict the effect of missense changes on protein structure and function outputs the following: PolyPhen-2: "Benign". The tryptophan amino acid residue is found in multiple mammalian species, which suggests that this missense change does not adversely affect protein function. In summary, the available evidence is currently insufficient to determine the role of this variant in disease. Therefore, it has been classified as a Variant of Uncertain Significance.

All of Us Research Program, National Institutes of Health
Classification: Uncertain significance for Long QT syndrome. Last evaluated: 2024-07-20. Review status: criteria provided, single submitter. Criteria: ACMG Guidelines, 2015. Collection method: clinical testing. Allele origin: germline. Inheritance: Autosomal dominant inheritance. Observed: 7 variant alleles, 7 heterozygotes.
Comment: This missense variant replaces arginine with tryptophan at codon 920 of the KCNH2 protein. Computational prediction is inconclusive regarding the impact of this variant on protein structure and function (internally defined REVEL score threshold 0.5 < inconclusive < 0.7, PMID: 27666373). To our knowledge, functional studies have not been reported for this variant. This variant has been reported in an individual referred for long QT syndrome genetic test (PMID: 19716085). This variant has been identified in 1/125518 chromosomes in the general population by the Genome Aggregation Database (gnomAD). The available evidence is insufficient to determine the role of this variant in disease conclusively. Therefore, this variant is classified as a Variant of Uncertain Significance.

This study involves interpretation of variants in research participants for the purpose of population health screening. Participant phenotype was not available at the time of variant classification. Additional details can be found in publication PMID: 35346344, PMCID: PMC8962531

Color Diagnostics, LLC DBA Color Health
Classification: Uncertain significance for Cardiac arrhythmia. Last evaluated: 2024-07-10. Review status: criteria provided, single submitter. Criteria: ACMG Guidelines, 2015. Collection method: clinical testing. Allele origin: germline.
Comment: This missense variant replaces arginine with tryptophan at codon 920 of the KCNH2 protein. Computational prediction is inconclusive regarding the impact of this variant on protein structure and function (internally defined REVEL score threshold 0.5 < inconclusive < 0.7, PMID: 27666373). To our knowledge, functional studies have not been reported for this variant. This variant has been reported in an individual referred for long QT syndrome genetic test (PMID: 19716085). This variant has been identified in 1/125518 chromosomes in the general population by the Genome Aggregation Database (gnomAD). The available evidence is insufficient to determine the role of this variant in disease conclusively. Therefore, this variant is classified as a Variant of Uncertain Significance.

CeGaT Center for Human Genetics Tuebingen
Classification: Uncertain significance. Last evaluated: 2023-03-01. Review status: criteria provided, single submitter. Criteria: CeGaT Center For Human Genetics Tuebingen Variant Classification Criteria Version 2. Collection method: clinical testing. Allele origin: germline. Affected: yes. Observed: 1 variant allele.
Comment: KCNH2: PM5, PM2:Supporting, PP2

Ambry Genetics
Classification: Uncertain significance for Cardiovascular phenotype. Last evaluated: 2019-05-02. Review status: criteria provided, single submitter. Criteria: Ambry Variant Classification Scheme 2023. Collection method: clinical testing. Allele origin: germline.

Cardiovascular Biomedical Research Unit, Royal Brompton & Harefield NHS Foundation Trust
No classification provided. Condition: Familial long QT syndrome. Review status: no classification provided. Collection method: literature only. Allele origin: germline. Not counted in ClinVar's aggregate classification.
Comment: This variant has been reported as associated with Long QT syndrome in the following publications (PMID:19716085). This is a literature report, and does not necessarily reflect the clinical interpretation of the Imperial College / Royal Brompton Cardiovascular Genetics laboratory.

Literature cited by the submitters: PubMed 19716085 (cited by 4 submitters); PubMed 36861347 (cited by Labcorp Genetics (formerly Invitae), Labcorp); PubMed 22581653 (cited by Cardiovascular Biomedical Research Unit, Royal Brompton & Harefield NHS Foundation Trust).

NM_000238.4(KCNH2):c.2758C>T (p.Arg920Trp)

Gene: KCNH2 (potassium voltage-gated channel subfamily H member 2; minus strand). Cytogenetic location: 7q36.1.
Variant type: single nucleotide variant.
Coding change: c.2758C>T on transcript NM_000238.4 (MANE Select); coding-DNA position 2758, C replaced by T.
Protein change: p.Arg920Trp; replaces arginine 920 with tryptophan.
Molecular consequence: missense variant.
Genome position (GRCh38, 1-based): chr7:150,947,813, G>A on the plus strand (C>T on the coding strand, the complement: KCNH2 is on the minus strand). VCF-style: chr7-150947813-G-A. GRCh37 (hg19) VCF-style: chr7-150644901-G-A.
Other names: c.2758C>T (LRG_288t1); c.1738C>T, p.Arg580Trp (NM_172057.3); short protein forms R580W, R920W.
Identifiers: ClinVar variation 67433 (VCV000067433.40), dbSNP rs199473438, ClinGen allele CA007304.